The following is an entry in ClinVar:

ClinVar aggregate classification (germline): Pathogenic (1 of 4 stars; one submission).

Conditions:
Autosomal recessive limb-girdle muscular dystrophy type 2C (LGMDR5). Also called: MUSCULAR DYSTROPHY, DUCHENNE-LIKE; MUSCULAR DYSTROPHY, LIMB-GIRDLE, AUTOSOMAL RECESSIVE 5. Identifiers: Orphanet 353, MedGen C0410173, MONDO:0009677, OMIM 253700. Disease mechanism: Affects gamma-sarcoglycan and also disrupts the integrity of the entire sarcoglycan complex..

Submission:

Myriad Genetics, Inc.
Classification: Pathogenic for Autosomal recessive limb-girdle muscular dystrophy type 2C. Last evaluated: 2024-06-30. Review status: criteria provided, single submitter. Criteria: Myriad Autosomal Dominant, Autosomal Recessive and X-Linked Classification Criteria (2023). Collection method: clinical testing. Allele origin: unknown.
Comment: NM_000231.2(SGCG):c.360_364del5(E121Hfs*33) is expected to be pathogenic in the context of gamma-sarcoglycanopathy. This variant is predicted to lead to an abnormal or absent protein product due to the creation of a premature termination codon in SGCG, a gene where loss-of-function variants are known to be pathogenic. Please note: this variant was assessed in the context of healthy population screening.

NM_000231.3(SGCG):c.360_364del (p.Glu121fs)

Gene: SGCG (sarcoglycan gamma; plus strand). Cytogenetic location: 13q12.12.
Variant type: Deletion.
Coding change: c.360_364del on transcript NM_000231.3 (MANE Select); coding-DNA positions 360 to 364, 5 bases deleted (GGAGG; older notation c.360_364delGGAGG).
Protein change: p.Glu121fs; shifts the reading frame from glutamic acid 121.
Molecular consequence: frameshift variant.
Genome position (GRCh38, 1-based): chr13:23,250,692-23,250,696, GGAGG deleted; deleting any 5 consecutive bases within chr13:23,250,689-23,250,696 gives the same sequence; the c. name uses the placement nearest the transcript's 3' end. VCF-style (leftmost placement, unchanged base first): chr13-23250688-AAGGGG-A. GRCh37 (hg19) VCF-style: chr13-23824827-AAGGGG-A.
Other names: c.414_418del, p.Glu139fs (NM_001378244.1); c.360_364del, p.Glu121fs (NM_001378245.1, NM_001378246.1); short protein forms E121fs, E139fs.
Identifiers: ClinVar variation 5013257 (VCV005013257.1).